The following is an entry in ClinVar:

ClinVar aggregate classification (germline): Uncertain significance. Review status: criteria provided, multiple submitters, no conflicts (2 of 4 stars). 3 submissions from 3 submitters: Uncertain significance (2). 1 of the submissions does not count toward it. Last evaluated 2025-03-07.

Conditions:
Inborn genetic diseases. Identifiers: MedGen C0950123, MeSH D030342.
Meckel-Gruber syndrome. Also called: Dysencephalia splachnocystica; DYSENCEPHALIA SPLANCHNOCYSTICA; GRUBER SYNDROME. Identifiers: Orphanet 564, MedGen C0265215, MONDO:0018921.
Nephronophthisis. Also called: Juvenile Nephronophthisis. Identifiers: Orphanet 655, MedGen C0687120, MONDO:0019005, HP:0000090.
Joubert syndrome. Also called: Familial aplasia of the vermis; CEREBELLOPARENCHYMAL DISORDER IV; JOUBERT-BOLTSHAUSER SYNDROME. Identifiers: Orphanet 475, MedGen C5979921, MONDO:0018772.
Leber congenital amaurosis (LCA). Also called: Leber's amaurosis. Identifiers: Orphanet 65, MedGen C0339527, MeSH D057130, MONDO:0018998.

Allele frequency attached by ClinVar (database versions not stated): ExAC below 0.00001; gnomAD exomes below 0.00001 and 0.00001.
gnomAD v4.1: 1 of 1,525,922 alleles (0.000066%); highest among the groups gnomAD compares: East Asian, 0.0023%; no homozygotes.

Submissions (3):

Ambry Genetics
Classification: Uncertain significance for Inborn genetic diseases. Last evaluated: 2025-03-07. Review status: criteria provided, single submitter. Criteria: Ambry Variant Classification Scheme 2023. Collection method: clinical testing. Allele origin: germline.

Labcorp Genetics (formerly Invitae), Labcorp
Classification: Uncertain significance for Joubert syndrome; Meckel-Gruber syndrome; Nephronophthisis. Last evaluated: 2022-02-23. Review status: criteria provided, single submitter. Criteria: Invitae Variant Classification Sherloc (09022015). Collection method: clinical testing. Allele origin: germline.
Comment: This sequence change replaces asparagine, which is neutral and polar, with serine, which is neutral and polar, at codon 1820 of the CEP290 protein (p.Asn1820Ser). This variant is present in population databases (rs776980750, gnomAD 0.01%). This variant has not been reported in the literature in individuals affected with CEP290-related conditions. ClinVar contains an entry for this variant (Variation ID: 990686). Algorithms developed to predict the effect of missense changes on protein structure and function (SIFT, PolyPhen-2, Align-GVGD) all suggest that this variant is likely to be tolerated. In summary, the available evidence is currently insufficient to determine the role of this variant in disease. Therefore, it has been classified as a Variant of Uncertain Significance.

Natera, Inc.
Classification: Uncertain significance for Leber congenital amaurosis. Last evaluated: 2020-04-17. Review status: no assertion criteria provided. Collection method: clinical testing. Allele origin: germline. Not counted in ClinVar's aggregate classification.

NM_025114.4(CEP290):c.5459A>G (p.Asn1820Ser)

Gene: CEP290 (centrosomal protein 290; minus strand). Cytogenetic location: 12q21.32.
Variant type: single nucleotide variant.
Coding change: c.5459A>G on transcript NM_025114.4 (MANE Select); coding-DNA position 5459, A replaced by G.
Protein change: p.Asn1820Ser; replaces asparagine 1820 with serine.
Molecular consequence: missense variant.
Genome position (GRCh38, 1-based): chr12:88,077,824, T>C on the plus strand (A>G on the coding strand, the complement: CEP290 is on the minus strand). VCF-style: chr12-88077824-T-C. GRCh37 (hg19) VCF-style: chr12-88471601-T-C.
Other names: c.5459A>G (NM_025114.3); short protein forms N1820S.
Identifiers: ClinVar variation 990686 (VCV000990686.4), dbSNP rs776980750, ClinGen allele CA6711713.